The following is an entry in ClinVar:

NM_005120.3(MED12):c.1169C>A (p.Thr390Asn)

Gene: MED12 (mediator complex subunit 12; plus strand). Cytogenetic location: Xq13.1.
Variant type: single nucleotide variant.
Coding change: c.1169C>A on transcript NM_005120.3 (MANE Select); coding-DNA position 1169, C replaced by A.
Protein change: p.Thr390Asn; replaces threonine 390 with asparagine.
Molecular consequence: missense variant.
Genome position (GRCh38, 1-based): chrX:71,122,267, C>A. VCF-style: chrX-71122267-C-A. GRCh37 (hg19) VCF-style: chrX-70342117-C-A.
Other names: short protein forms T390N.
Identifiers: ClinVar variation 4706378 (VCV004706378.1).

ClinVar aggregate classification (germline): Uncertain significance (1 of 4 stars; one submission).

Conditions:
FG syndrome (FGS). Identifiers: MedGen C0220769, MONDO:0002010.

gnomAD v4.1: 1 of 1,209,850 alleles (0.000083%); highest among the groups gnomAD compares: Non-Finnish European, 0.00011%; no homozygotes.

Submission:

Labcorp Genetics (formerly Invitae), Labcorp
Classification: Uncertain significance for FG syndrome. Last evaluated: 2025-04-17. Review status: criteria provided, single submitter. Criteria: Invitae Variant Classification Sherloc (09022015). Collection method: clinical testing. Allele origin: germline.
Comment: This sequence change replaces threonine, which is neutral and polar, with asparagine, which is neutral and polar, at codon 390 of the MED12 protein (p.Thr390Asn). This variant is not present in population databases (gnomAD no frequency). This variant has not been reported in the literature in individuals affected with MED12-related conditions. Invitae Evidence Modeling of protein sequence and biophysical properties (such as structural, functional, and spatial information, amino acid conservation, physicochemical variation, residue mobility, and thermodynamic stability) indicates that this missense variant is not expected to disrupt MED12 protein function with a negative predictive value of 95%. In summary, the available evidence is currently insufficient to determine the role of this variant in disease. Therefore, it has been classified as a Variant of Uncertain Significance.